The following is an entry in ClinVar:

NM_000038.6(APC):c.4609A>G (p.Thr1537Ala)

Gene: APC (APC regulator of Wnt signaling pathway; plus strand). Cytogenetic location: 5q22.2.
Variant type: single nucleotide variant.
Coding change: c.4609A>G on transcript NM_000038.6 (MANE Select); coding-DNA position 4609, A replaced by G.
Protein change: p.Thr1537Ala; replaces threonine 1537 with alanine.
Molecular consequence: missense variant.
Genome position (GRCh38, 1-based): chr5:112,840,203, A>G. VCF-style: chr5-112840203-A-G. GRCh37 (hg19) VCF-style: chr5-112175900-A-G.
Other names: c.4609A>G, p.Thr1537Ala (NM_001127510.3, NM_001354895.2); c.4555A>G, p.Thr1519Ala (NM_001127511.3); c.4663A>G, p.Thr1555Ala (NM_001354896.2); c.4639A>G, p.Thr1547Ala (NM_001354897.2); c.4534A>G, p.Thr1512Ala (NM_001354898.2); c.4525A>G, p.Thr1509Ala (NM_001354899.2); c.4486A>G, p.Thr1496Ala (NM_001354900.2); c.4432A>G, p.Thr1478Ala (NM_001354901.2); and 5 more; short protein forms T1537A, T1519A, T1254A, T1377A, T1512A, T1411A, T1436A, T1547A.
Identifiers: ClinVar variation 482273 (VCV000482273.20), dbSNP rs781328009, ClinGen allele CA16031428.

ClinVar aggregate classification (germline): Conflicting classifications of pathogenicity. Review status: criteria provided, conflicting classifications (1 of 4 stars). 4 submissions from 4 submitters: Uncertain significance (3); Likely benign (1). Last evaluated 2026-05-01.

Conditions:
Hereditary cancer-predisposing syndrome. Also called: Tumor predisposition; Hereditary neoplastic syndrome; Neoplastic Syndromes, Hereditary; Hereditary Cancer Syndrome. Identifiers: Orphanet 140162, MedGen C0027672, MeSH D009386, MONDO:0015356.
Familial adenomatous polyposis 1 (FAP1). Also called: POLYPOSIS, ADENOMATOUS INTESTINAL; FAMILIAL ADENOMATOUS POLYPOSIS 1, ATTENUATED. Identifiers: MedGen C2713442, MONDO:0021056, OMIM 175100. Disease mechanism: loss of function.

Allele frequency attached by ClinVar (database versions not stated): TOPMed 0.00002; gnomAD 0.00001.

Submissions (4):

Ambry Genetics
Classification: Likely benign for Hereditary cancer-predisposing syndrome. Last evaluated: 2026-05-01. Review status: criteria provided, single submitter. Criteria: Ambry Variant Classification Scheme 2023. Collection method: clinical testing. Allele origin: germline.

Labcorp Genetics (formerly Invitae), Labcorp
Classification: Uncertain significance for Familial adenomatous polyposis 1. Last evaluated: 2026-01-25. Review status: criteria provided, single submitter. Criteria: Invitae Variant Classification Sherloc (09022015). Collection method: clinical testing. Allele origin: germline.
Comment: This sequence change replaces threonine, which is neutral and polar, with alanine, which is neutral and non-polar, at codon 1537 of the APC protein (p.Thr1537Ala). This variant is present in population databases (no rsID available, gnomAD 0.01%). This variant has not been reported in the literature in individuals affected with APC-related conditions. ClinVar contains an entry for this variant (Variation ID: 482273). Invitae Evidence Modeling of protein sequence and biophysical properties (such as structural, functional, and spatial information, amino acid conservation, physicochemical variation, residue mobility, and thermodynamic stability) indicates that this missense variant is not expected to disrupt APC protein function with a negative predictive value of 95%. In summary, the available evidence is currently insufficient to determine the role of this variant in disease. Therefore, it has been classified as a Variant of Uncertain Significance.

Baylor Genetics
Classification: Uncertain significance for Familial adenomatous polyposis 1. Last evaluated: 2023-09-13. Review status: criteria provided, single submitter. Criteria: ACMG Guidelines, 2015. Collection method: clinical testing. Allele origin: unknown.

GeneDx
Classification: Uncertain significance. Last evaluated: 2023-01-13. Review status: criteria provided, single submitter. Criteria: GeneDx Variant Classification Process June 2021. Collection method: clinical testing. Allele origin: germline. Affected: yes.
Comment: Not observed at significant frequency in large population cohorts (gnomAD); In silico analysis supports that this missense variant does not alter protein structure/function; Has not been previously published as pathogenic or benign to our knowledge; This variant is associated with the following publications: (PMID: 18199528, 26010451)